The following is an entry in ClinVar:

NM_003803.4(MYOM1):c.3511T>C (p.Trp1171Arg)

Gene: MYOM1 (myomesin 1; minus strand). Cytogenetic location: 18p11.31.
Variant type: single nucleotide variant.
Coding change: c.3511T>C on transcript NM_003803.4 (MANE Select); coding-DNA position 3511, T replaced by C.
Protein change: p.Trp1171Arg; replaces tryptophan 1171 with arginine.
Molecular consequence: missense variant.
Genome position (GRCh38, 1-based): chr18:3,102,538, A>G on the plus strand (T>C on the coding strand, the complement: MYOM1 is on the minus strand). VCF-style: chr18-3102538-A-G. GRCh37 (hg19) VCF-style: chr18-3102536-A-G.
Other names: c.3223T>C, p.Trp1075Arg (NM_019856.2); short protein forms W1075R, W1171R.
Identifiers: ClinVar variation 4743086 (VCV004743086.1).

ClinVar aggregate classification (germline): Uncertain significance (1 of 4 stars; one submission).

Conditions:
Hypertrophic cardiomyopathy. Also called: HYPERTROPHIC MYOCARDIOPATHY. Identifiers: Orphanet 217569, MedGen C0007194, MeSH D002312, MONDO:0005045, HP:0001639.

Submission:

Labcorp Genetics (formerly Invitae), Labcorp
Classification: Uncertain significance for Hypertrophic cardiomyopathy. Last evaluated: 2025-08-29. Review status: criteria provided, single submitter. Criteria: Invitae Variant Classification Sherloc (09022015). Collection method: clinical testing. Allele origin: germline.
Comment: This sequence change replaces tryptophan, which is neutral and slightly polar, with arginine, which is basic and polar, at codon 1171 of the MYOM1 protein (p.Trp1171Arg). This variant is not present in population databases (gnomAD no frequency). This variant has not been reported in the literature in individuals affected with MYOM1-related conditions. Invitae Evidence Modeling of protein sequence and biophysical properties (such as structural, functional, and spatial information, amino acid conservation, physicochemical variation, residue mobility, and thermodynamic stability) indicates that this missense variant is expected to disrupt MYOM1 protein function with a positive predictive value of 80%. In summary, the available evidence is currently insufficient to determine the role of this variant in disease. Therefore, it has been classified as a Variant of Uncertain Significance.